The following is an entry in ClinVar:

NM_000059.4(BRCA2):c.10019C>G (p.Ala3340Gly)

Gene: BRCA2 (BRCA2 DNA repair associated; plus strand). Cytogenetic location: 13q13.1.
Variant type: single nucleotide variant.
Coding change: c.10019C>G on transcript NM_000059.4 (MANE Select); coding-DNA position 10019, C replaced by G.
Protein change: p.Ala3340Gly; replaces alanine 3340 with glycine.
Molecular consequence: missense variant.
Genome position (GRCh38, 1-based): chr13:32,398,532, C>G. VCF-style: chr13-32398532-C-G. GRCh37 (hg19) VCF-style: chr13-32972669-C-G.
Other names: short protein forms A3340G.
Identifiers: ClinVar variation 853386 (VCV000853386.10), dbSNP rs2073054427, ClinGen allele CA387767731.

ClinVar aggregate classification (germline): Uncertain significance (1 of 4 stars; one submission).

Conditions:
Hereditary breast ovarian cancer syndrome. Also called: Hereditary breast and ovarian cancer syndrome; BRCA1- and BRCA2-Associated Hereditary Breast and Ovarian Cancer; Hereditary breast and/or ovarian cancer syndrome; Hereditary breast and ovarian cancer; Hereditary breast and ovarian cancer syndrome (HBOC); Breast and ovarian cancer. Identifiers: Orphanet 145, MedGen C0677776, MeSH D061325, MONDO:0003582. Disease mechanism: loss of function.

Submission:

Labcorp Genetics (formerly Invitae), Labcorp
Classification: Uncertain significance for Hereditary breast ovarian cancer syndrome. Last evaluated: 2019-04-18. Review status: criteria provided, single submitter. Criteria: Invitae Variant Classification Sherloc (09022015). Collection method: clinical testing. Allele origin: germline.
Comment: This sequence change replaces alanine with glycine at codon 3340 of the BRCA2 protein (p.Ala3340Gly). The alanine residue is moderately conserved and there is a small physicochemical difference between alanine and glycine. In summary, the available evidence is currently insufficient to determine the role of this variant in disease. Therefore, it has been classified as a Variant of Uncertain Significance. Algorithms developed to predict the effect of sequence changes on RNA splicing suggest that this variant may create or strengthen a splice site, but this prediction has not been confirmed by published transcriptional studies. Algorithms developed to predict the effect of missense changes on protein structure and function are either unavailable or do not agree on the potential impact of this missense change (SIFT: "Tolerated"; PolyPhen-2: "Possibly Damaging"; Align-GVGD: "Class C0"). This variant has not been reported in the literature in individuals with BRCA2-related conditions. This variant is not present in population databases (ExAC no frequency).